The following is an entry in ClinVar:

NM_004626.3(WNT11):c.198G>A (p.Met66Ile)

Gene: WNT11 (Wnt family member 11; minus strand). Cytogenetic location: 11q13.5.
Variant type: single nucleotide variant.
Coding change: c.198G>A on transcript NM_004626.3 (MANE Select); coding-DNA position 198, G replaced by A.
Protein change: p.Met66Ile; replaces methionine 66 with isoleucine.
Molecular consequence: missense variant.
Genome position (GRCh38, 1-based): chr11:76,196,604, C>T on the plus strand (G>A on the coding strand, the complement: WNT11 is on the minus strand). VCF-style: chr11-76196604-C-T. GRCh37 (hg19) VCF-style: chr11-75907648-C-T.
Other names: short protein forms M66I.
Identifiers: ClinVar variation 3047692 (VCV003047692.3), dbSNP rs148302020, ClinGen allele CA6193064.

ClinVar aggregate classification (germline): Benign. Review status: criteria provided, single submitter (1 of 4 stars). 2 submissions from 2 submitters: Benign (1). 1 of the submissions does not count toward it.

Conditions:
Bladder exstrophy-epispadias-cloacal exstrophy complex. Also called: Exstrophy of the bladder-epispadias; Bladder exstrophy and epispadias complex; Bladder exstrophy-epispadias-cloacal extrophy complex. Identifiers: Orphanet 93930, MedGen C1838703, MONDO:0700039, OMIM 600057.
WNT11-related disorder. Also called: WNT11-related condition.

Allele frequency attached by ClinVar (database versions not stated): TOPMed 0.00072; 1000 Genomes Project 0.00100; ESP Exome Variant Server 0.00100; 1000 Genomes Project 30x 0.00172; gnomAD exomes 0.00007; ExAC 0.00028; gnomAD 0.00067.

Submissions (2):

Obstetrics and Gynecology Department, Johns Hopkins School Of Medicine
Classification: Benign for Bladder exstrophy-epispadias-cloacal exstrophy complex. Review status: criteria provided, single submitter. Criteria: ACMG Guidelines, 2015. Collection method: research. Allele origin: unknown. Affected: yes.

PreventionGenetics, part of Exact Sciences
Classification: Likely benign for WNT11-related condition. Last evaluated: 2022-11-15. Review status: no assertion criteria provided. Collection method: clinical testing. Allele origin: germline. Not counted in ClinVar's aggregate classification.
Comment: This variant is classified as likely benign based on ACMG/AMP sequence variant interpretation guidelines (Richards et al. 2015 PMID: 25741868, with internal and published modifications).